The following is an entry in ClinVar:

NM_003074.4(SMARCC1):c.613C>T (p.His205Tyr)

Gene: SMARCC1 (SWI/SNF related BAF chromatin remodeling complex subunit C1; minus strand). Cytogenetic location: 3p21.31.
Variant type: single nucleotide variant.
Coding change: c.613C>T on transcript NM_003074.4 (MANE Select); coding-DNA position 613, C replaced by T.
Protein change: p.His205Tyr; replaces histidine 205 with tyrosine.
Molecular consequence: missense variant.
Genome position (GRCh38, 1-based): chr3:47,729,058, G>A on the plus strand (C>T on the coding strand, the complement: SMARCC1 is on the minus strand). VCF-style: chr3-47729058-G-A. GRCh37 (hg19) VCF-style: chr3-47770548-G-A.
Other names: short protein forms H205Y.
Identifiers: ClinVar variation 3446101 (VCV003446101.2).
Genomic context (GRCh38, chr3:47,729,058, plus strand): 5'-TCTGTTCACAACGCAAAACTAACTTACCATCGTCTTGTGAGGAAGAATATGGGTAAATGT[G>A]GTGGGAAGCTTTTGACTTCTCATCCGTAAATGTTCCCTGGAAAGCAAATGAACAAAAACC-3'
Protein context (NP_003065.3, residues 195-215): FTDEKSKASH[His205Tyr]IYPYSSSQDD

ClinVar aggregate classification (germline): Uncertain significance. Review status: criteria provided, multiple submitters, no conflicts (2 of 4 stars). 2 submissions from 2 submitters: Uncertain significance (2). Last evaluated 2026-07-26.

Conditions:
SMARCC1-related disorder. Also called: SMARCC1-related condition.
Inborn genetic diseases. Identifiers: MedGen C0950123, MeSH D030342.

gnomAD v4.1: 2 of 1,612,224 alleles (0.00012%); highest among the groups gnomAD compares: East Asian, 0.0022%; no homozygotes.

Submissions (2):

PreventionGenetics, part of Exact Sciences
Classification: Uncertain significance for SMARCC1-related condition. Last evaluated: 2026-07-26. Review status: criteria provided, single submitter. Criteria: ACMG Guidelines, 2015. Collection method: clinical testing. Allele origin: germline.
Comment: The SMARCC1 c.613C>T variant is predicted to result in the amino acid substitution p.His205Tyr. To our knowledge, this variant has not been reported in the literature or in a large population database (gnomAD), indicating this variant is rare. At this time, the clinical significance of this variant is uncertain due to the absence of conclusive functional and genetic evidence.

Ambry Genetics
Classification: Uncertain significance for Inborn genetic diseases. Last evaluated: 2024-11-14. Review status: criteria provided, single submitter. Criteria: Ambry Variant Classification Scheme 2023. Collection method: clinical testing. Allele origin: germline.